The following is an entry in ClinVar:

ClinVar aggregate classification (germline): Likely benign (0 of 4 stars; one submission).

Conditions:
RAI1-related disorder. Also called: RAI1-related condition.

Submission:

PreventionGenetics, part of Exact Sciences
Classification: Likely benign for RAI1-related condition. Last evaluated: 2024-03-23. Review status: no assertion criteria provided. Collection method: clinical testing. Allele origin: germline.
Comment: This variant is classified as likely benign based on ACMG/AMP sequence variant interpretation guidelines (Richards et al. 2015 PMID: 25741868, with internal and published modifications).

NM_030665.4(RAI1):c.-148-22G>A

Gene: RAI1 (retinoic acid induced 1; plus strand). Cytogenetic location: 17p11.2.
Variant type: single nucleotide variant.
Coding change: c.-148-22G>A on transcript NM_030665.4 (MANE Select); 22 bases into the intron before 148 bases upstream of the start codon, G replaced by A.
Molecular consequence: intron variant.
Genome position (GRCh38, 1-based): chr17:17,724,006, G>A. VCF-style: chr17-17724006-G-A. GRCh37 (hg19) VCF-style: chr17-17627320-G-A.
Identifiers: ClinVar variation 3352790 (VCV003352790.1).
Genomic context (GRCh38, chr17:17,724,006, plus strand): 5'-GGAAAGGAGCGAGCCTGGGGCCGTTGCAAGCGGCTGGCGAGAGAAAGGATTCGTGCGAGC[G>A]CTCACATTTGTTTCTCCCAAGGATCTCATCTGGCCACCGCGTTCTGGAAGAGGCGAGAGG-3'